The following is an entry in ClinVar:

NM_001365951.3(KIF1B):c.4824G>A (p.Lys1608=)

Gene: KIF1B (kinesin family member 1B; plus strand). Cytogenetic location: 1p36.22.
Variant type: single nucleotide variant.
Coding change: c.4824G>A on transcript NM_001365951.3 (MANE Select); coding-DNA position 4824, G replaced by A.
Protein change: p.Lys1608=; no amino-acid change (lysine 1608 retained).
Molecular consequence: synonymous variant.
Genome position (GRCh38, 1-based): chr1:10,368,538, G>A. VCF-style: chr1-10368538-G-A. GRCh37 (hg19) VCF-style: chr1-10428596-G-A.
Other names: c.4824G>A, p.Lys1608= (NM_001365952.1); c.4686G>A, p.Lys1562= (NM_015074.3).
Identifiers: ClinVar variation 1742415 (VCV001742415.3), dbSNP rs2521935056, ClinGen allele CA415886941.
Genomic context (GRCh38, chr1:10,368,538, plus strand): 5'-TCTCACCCACACTTTCAACAGAGAATTCAGCCAGGTGCACGGCAGCGTCAGTGACTGTAA[G>A]GTGAGCACATTGACTGTAATTTTTAGCCAGTATGTTGATAACTGATTTCTCCACAGCAGC-3'
Protein context (NP_001352880.1, residues 1598-1618): SQVHGSVSDC[Lys1608=]LSDISPIGRD

ClinVar aggregate classification (germline): Uncertain significance (1 of 4 stars; one submission).

Allele frequency attached by ClinVar (database versions not stated): gnomAD exomes below 0.00001.
gnomAD v4.1: 1 of 1,612,736 alleles (0.000062%); highest among the groups gnomAD compares: Non-Finnish European, 0.000085%; no homozygotes.

Submission:

Ambry Genetics
Classification: Uncertain significance. Last evaluated: 2024-08-15. Review status: criteria provided, single submitter. Criteria: Ambry Variant Classification Scheme 2023. Collection method: clinical testing. Allele origin: germline.
Comment: The c.4686G>A variant (also known as p.K1562K), located in coding exon 41 of the KIF1B gene. This variant results from a G to A substitution at nucleotide position 4686. This nucleotide substitution does not change the lysine at codon 1562. However, this change occurs in the last base pair of coding exon 41, which makes it likely to have some effect on normal mRNA splicing. This nucleotide position is highly conserved in available vertebrate species. In silico splice site analysis predicts that this alteration may weaken the native splice donor site. The evidence for this gene-disease relationship is limited; therefore, the clinical significance of this alteration is unclear.